The following is an entry in ClinVar:

NM_000334.4(SCN4A):c.5023C>T (p.His1675Tyr)

Genes: GH-LCR (growth hormone locus control region; plus strand), SCN4A (sodium voltage-gated channel alpha subunit 4; minus strand). Cytogenetic location: 17q23.3.
Variant type: single nucleotide variant.
Coding change: c.5023C>T on transcript NM_000334.4 (MANE Select); coding-DNA position 5023, C replaced by T.
Protein change: p.His1675Tyr; replaces histidine 1675 with tyrosine.
Molecular consequence: missense variant.
Genome position (GRCh38, 1-based): chr17:63,941,259, G>A on the plus strand (C>T on the coding strand, the complement: SCN4A is on the minus strand). VCF-style: chr17-63941259-G-A. GRCh37 (hg19) VCF-style: chr17-62018619-G-A.
Other names: short protein forms H1675Y.
Identifiers: ClinVar variation 1367898 (VCV001367898.9), dbSNP rs767464961, ClinGen allele CA8708854.

ClinVar aggregate classification (germline): Uncertain significance. Review status: criteria provided, multiple submitters, no conflicts (2 of 4 stars). 2 submissions from 2 submitters: Uncertain significance (2). Last evaluated 2025-09-15.

Conditions:
Hyperkalemic periodic paralysis. Also called: Familial hyperkalemic periodic paralysis; Gamstorp disease. Identifiers: Orphanet 682, MedGen C0238357, MONDO:0008224, OMIM 170500, HP:0007215.

Allele frequency attached by ClinVar (database versions not stated): ExAC 0.00001; gnomAD 0.00001; gnomAD exomes 0.00001 and 0.00002; TOPMed 0.00001.
gnomAD v4.1: 9 of 1,613,790 alleles (0.00056%); highest among the groups gnomAD compares: Admixed American, 0.0083%; no homozygotes.

Submissions (2):

Labcorp Genetics (formerly Invitae), Labcorp
Classification: Uncertain significance for Hyperkalemic periodic paralysis. Last evaluated: 2025-09-15. Review status: criteria provided, single submitter. Criteria: Invitae Variant Classification Sherloc (09022015). Collection method: clinical testing. Allele origin: germline.
Comment: This sequence change replaces histidine, which is basic and polar, with tyrosine, which is neutral and polar, at codon 1675 of the SCN4A protein (p.His1675Tyr). This variant is present in population databases (rs767464961, gnomAD 0.01%). This variant has not been reported in the literature in individuals affected with SCN4A-related conditions. ClinVar contains an entry for this variant (Variation ID: 1367898). Invitae Evidence Modeling of protein sequence and biophysical properties (such as structural, functional, and spatial information, amino acid conservation, physicochemical variation, residue mobility, and thermodynamic stability) indicates that this missense variant is not expected to disrupt SCN4A protein function with a negative predictive value of 95%. In summary, the available evidence is currently insufficient to determine the role of this variant in disease. Therefore, it has been classified as a Variant of Uncertain Significance.

GeneDx
Classification: Uncertain significance. Last evaluated: 2022-09-29. Review status: criteria provided, single submitter. Criteria: GeneDx Variant Classification Process June 2021. Collection method: clinical testing. Allele origin: germline. Affected: yes.
Comment: Not observed at significant frequency in large population cohorts (gnomAD); In silico analysis supports that this missense variant has a deleterious effect on protein structure/function; Has not been previously published as pathogenic or benign to our knowledge